The following is an entry in ClinVar:

ClinVar aggregate classification (germline): Uncertain significance (1 of 4 stars; one submission).

Allele frequency attached by ClinVar (database versions not stated): ExAC 0.00001; gnomAD exomes 0.00001.

Submission:

Labcorp Genetics (formerly Invitae), Labcorp
Classification: Uncertain significance. Last evaluated: 2023-07-07. Review status: criteria provided, single submitter. Criteria: Invitae Variant Classification Sherloc (09022015). Collection method: clinical testing. Allele origin: germline.
Comment: In summary, the available evidence is currently insufficient to determine the role of this variant in disease. Therefore, it has been classified as a Variant of Uncertain Significance. Algorithms developed to predict the effect of sequence changes on RNA splicing suggest that this variant may create or strengthen a splice site. Algorithms developed to predict the effect of missense changes on protein structure and function output the following: SIFT: "Not Available"; PolyPhen-2: "Benign"; Align-GVGD: "Not Available". The serine amino acid residue is found in multiple mammalian species, which suggests that this missense change does not adversely affect protein function. ClinVar contains an entry for this variant (Variation ID: 1446301). This variant has not been reported in the literature in individuals affected with RUSC2-related conditions. This variant is present in population databases (rs752914193, gnomAD 0.004%). This sequence change replaces asparagine, which is neutral and polar, with serine, which is neutral and polar, at codon 1403 of the RUSC2 protein (p.Asn1403Ser).

NM_014806.5(RUSC2):c.4208A>G (p.Asn1403Ser)

Gene: RUSC2 (RUN and SH3 domain containing 2; plus strand). Cytogenetic location: 9p13.3.
Variant type: single nucleotide variant.
Coding change: c.4208A>G on transcript NM_014806.5 (MANE Select); coding-DNA position 4208, A replaced by G.
Protein change: p.Asn1403Ser; replaces asparagine 1403 with serine.
Molecular consequence: missense variant. On other transcripts: non-coding transcript variant (1).
Genome position (GRCh38, 1-based): chr9:35,560,848, A>G. VCF-style: chr9-35560848-A-G. GRCh37 (hg19) VCF-style: chr9-35560845-A-G.
Other names: c.4208A>G, p.Asn1403Ser (NM_001135999.2); c.1574A>G, p.Asn525Ser (NM_001330740.2); short protein forms N1403S, N525S.
Identifiers: ClinVar variation 1446301 (VCV001446301.6), dbSNP rs752914193, ClinGen allele CA5044312.